The following is an entry in ClinVar:

ClinVar aggregate classification (germline): Uncertain significance. Review status: criteria provided, multiple submitters, no conflicts (2 of 4 stars). 2 submissions from 2 submitters: Uncertain significance (2). Last evaluated 2025-08-29.

Conditions:
Hereditary cancer-predisposing syndrome. Also called: Neoplastic Syndromes, Hereditary; Hereditary Cancer Syndrome; Hereditary neoplastic syndrome; Tumor predisposition. Identifiers: Orphanet 140162, MedGen C0027672, MeSH D009386, MONDO:0015356.
Rhabdoid tumor predisposition syndrome 2 (RTPS2). Identifiers: Orphanet 231108, Orphanet 69077, MedGen C2750074, MONDO:0013224, OMIM 613325.

gnomAD v4.1: 2 of 1,614,274 alleles (0.00012%); highest among the groups gnomAD compares: Admixed American, 0.0033%; no homozygotes.

Submissions (2):

Ambry Genetics
Classification: Uncertain significance for Hereditary cancer-predisposing syndrome. Last evaluated: 2025-08-29. Review status: criteria provided, single submitter. Criteria: Ambry Variant Classification Scheme 2023. Collection method: clinical testing. Allele origin: germline.
Comment: The p.A598T variant (also known as c.1792G>A), located in coding exon 10 of the SMARCA4 gene, results from a G to A substitution at nucleotide position 1792. The alanine at codon 598 is replaced by threonine, an amino acid with similar properties. This amino acid position is conserved. In addition, the in silico prediction for this alteration is inconclusive. Based on the available evidence, the clinical significance of this variant remains unclear.

Labcorp Genetics (formerly Invitae), Labcorp
Classification: Uncertain significance for Rhabdoid tumor predisposition syndrome 2. Last evaluated: 2023-05-01. Review status: criteria provided, single submitter. Criteria: Invitae Variant Classification Sherloc (09022015). Collection method: clinical testing. Allele origin: germline.
Comment: In summary, the available evidence is currently insufficient to determine the role of this variant in disease. Therefore, it has been classified as a Variant of Uncertain Significance. Advanced modeling of protein sequence and biophysical properties (such as structural, functional, and spatial information, amino acid conservation, physicochemical variation, residue mobility, and thermodynamic stability) has been performed at Invitae for this missense variant, however the output from this modeling did not meet the statistical confidence thresholds required to predict the impact of this variant on SMARCA4 protein function. This variant has not been reported in the literature in individuals affected with SMARCA4-related conditions. This variant is present in population databases (no rsID available, gnomAD 0.006%). This sequence change replaces alanine, which is neutral and non-polar, with threonine, which is neutral and polar, at codon 598 of the SMARCA4 protein (p.Ala598Thr).

NM_003072.5(SMARCA4):c.1792G>A (p.Ala598Thr)

Gene: SMARCA4 (SWI/SNF related BAF chromatin remodeling complex subunit ATPase 4; plus strand). Cytogenetic location: 19p13.2.
Variant type: single nucleotide variant.
Coding change: c.1792G>A on transcript NM_003072.5 (MANE Select); coding-DNA position 1792, G replaced by A.
Protein change: p.Ala598Thr; replaces alanine 598 with threonine.
Molecular consequence: missense variant. On other transcripts: non-coding transcript variant (1).
Genome position (GRCh38, 1-based): chr19:10,996,524, G>A. VCF-style: chr19-10996524-G-A. GRCh37 (hg19) VCF-style: chr19-11107200-G-A.
Other names: c.1792G>A, p.Ala598Thr (NM_001128844.3, NM_001128845.2, NM_001128846.2 and 6 more transcripts); c.1792G>A (NM_001128849.1); short protein forms A598T.
Identifiers: ClinVar variation 2843134 (VCV002843134.4), dbSNP rs1269162070, ClinGen allele CA404064829.